The following is an entry in ClinVar:

ClinVar aggregate classification (germline): Uncertain significance. Review status: criteria provided, single submitter (1 of 4 stars). 3 submissions from 3 submitters: Uncertain significance (1). 2 of the submissions do not count toward it. Last evaluated 2021-04-10.

Conditions:
Charcot-Marie-Tooth disease, axonal, type 2FF. Also called: CHARCOT-MARIE-TOOTH NEUROPATHY, TYPE 2FF. Identifiers: MedGen C5561981, MONDO:0030433, OMIM 619519.

Submissions (3):

Illumina Laboratory Services, Illumina
Classification: Uncertain significance for Charcot-Marie-Tooth disease, axonal, type 2FF. Last evaluated: 2021-04-10. Review status: criteria provided, single submitter. Criteria: ICSLVariantClassificationCriteria RUGD 01 April 2020. Collection method: clinical testing. Allele origin: unknown.
Comment: The CADM3 c.1102G>T p.(Gly368Cys) missense variant, also known as c.1000G>T p.(Gly334Cys), has not, to our knowledge, been reported in the peer-reviewed literature. TThis variant is not observed in version 2.1.1 of the Genome Aggregation Database. In silico tools do not consistently predict a functional consequence of this variant, which is located in the transmembrane domain. Based on the limited evidence, the c.1102G>T p.(Gly368Cys) variant is classified as a variant of uncertain significance for Charcot-Marie-Tooth disease, axonal, type 2FF.

Undiagnosed Diseases Network, NIH
Classification: Uncertain significance for Charcot-Marie-Tooth disease, axonal, type 2FF. Last evaluated: 2022-10-19. Review status: no assertion criteria provided. Collection method: clinical testing. Allele origin: de novo. Affected: yes. Observed: 1 variant allele, 1 heterozygote. Not counted in ClinVar's aggregate classification.

Clinical Genetics Laboratory, University Hospital Schleswig-Holstein
Classification: Uncertain significance for Charcot-Marie-Tooth disease, axonal, type 2FF. Last evaluated: 2022-02-01. Review status: no assertion criteria provided. Collection method: clinical testing. Allele origin: germline. Affected: yes. Not counted in ClinVar's aggregate classification.

NM_001127173.3(CADM3):c.1000G>T (p.Gly334Cys)

Genes: CADM3 (cell adhesion molecule 3; plus strand), CADM3-AS1 (CADM3 antisense RNA 1; minus strand). Cytogenetic location: 1q23.2.
Variant type: single nucleotide variant.
Coding change: c.1000G>T on transcript NM_001127173.3 (MANE Select); coding-DNA position 1000, G replaced by T.
Protein change: p.Gly334Cys; replaces glycine 334 with cysteine.
Molecular consequence: missense variant. On other transcripts: non-coding transcript variant (1).
Genome position (GRCh38, 1-based): chr1:159,199,798, G>T. VCF-style: chr1-159199798-G-T. GRCh37 (hg19) VCF-style: chr1-159169588-G-T.
Other names: p.Gly368Cys; c.862G>T, p.Gly288Cys (NM_001346510.2); c.1102G>T, p.Gly368Cys (NM_021189.5); short protein forms G288C, G334C, G368C.
Identifiers: ClinVar variation 1710197 (VCV001710197.5), dbSNP rs1224156115, ClinGen allele CA343056476.
Genomic context (GRCh38, chr1:159,199,798, plus strand): 5'-CCCTTTCTTCCAGACCCCAGTCCGGTGCCCTCCTCCTCCAGCACCTACCACGCCATCATC[G>T]GTGGGATCGTGGCTTTCATTGTCTTCCTGCTGCTCATCATGCTCATCTTCCTTGGCCACT-3'
Protein context (NP_001120645.1, residues 324-344): SSSSTYHAII[Gly334Cys]GIVAFIVFLL